The following is an entry in ClinVar:

NM_138420.4(AHNAK2):c.9982C>G (p.Gln3328Glu)

Gene: AHNAK2 (AHNAK nucleoprotein 2; minus strand). Cytogenetic location: 14q32.33.
Variant type: single nucleotide variant.
Coding change: c.9982C>G on transcript NM_138420.4 (MANE Select); coding-DNA position 9982, C replaced by G.
Protein change: p.Gln3328Glu; replaces glutamine 3328 with glutamic acid.
Molecular consequence: missense variant.
Genome position (GRCh38, 1-based): chr14:104,945,469, G>C on the plus strand (C>G on the coding strand, the complement: AHNAK2 is on the minus strand). VCF-style: chr14-104945469-G-C. GRCh37 (hg19) VCF-style: chr14-105411806-G-C.
Other names: c.9682C>G, p.Gln3228Glu (NM_001350929.2); short protein forms Q3228E, Q3328E.
Identifiers: ClinVar variation 4872006 (VCV004872006.2).
Genomic context (GRCh38, chr14:104,945,469, plus strand): 5'-GCATGGAGGGGAGGCTCACGTCGGCCTCCGCCTTCGGCGCAGACACATCCACCGAGGCCT[G>C]GATGGACTTGCCTGGGGCAGACGCCCTGTACGACGGCATCTTGAATTTGGGCATTTTGAA-3'
Protein context (NP_612429.2, residues 3318-3338): YRASAPGKSI[Gln3328Glu]ASVDVSAPKA

ClinVar aggregate classification (germline): Likely benign (1 of 4 stars; one submission).

Submission:

CeGaT Center for Human Genetics Tuebingen
Classification: Likely benign. Last evaluated: 2026-04-01. Review status: criteria provided, single submitter. Criteria: CeGaT Center For Human Genetics Tuebingen Variant Classification Criteria Version 2. Collection method: clinical testing. Allele origin: germline. Affected: yes. Observed: 1 variant allele.
Comment: AHNAK2: BP4, BS1